The following is an entry in ClinVar:

NM_003482.4(KMT2D):c.5760A>T (p.Pro1920=)

Gene: KMT2D (lysine methyltransferase 2D; minus strand). Cytogenetic location: 12q13.12.
Variant type: single nucleotide variant.
Coding change: c.5760A>T on transcript NM_003482.4 (MANE Select); coding-DNA position 5760, A replaced by T.
Protein change: p.Pro1920=; no amino-acid change (proline 1920 retained).
Molecular consequence: synonymous variant.
Genome position (GRCh38, 1-based): chr12:49,042,763, T>A on the plus strand (A>T on the coding strand, the complement: KMT2D is on the minus strand). VCF-style: chr12-49042763-T-A. GRCh37 (hg19) VCF-style: chr12-49436546-T-A.
Identifiers: ClinVar variation 2635497 (VCV002635497.4), dbSNP rs2120559859, ClinGen allele CA479712703.

ClinVar aggregate classification (germline): Conflicting classifications of pathogenicity. Review status: criteria provided, conflicting classifications (1 of 4 stars). 2 submissions from 2 submitters: Uncertain significance (1); Likely benign (1). Last evaluated 2023-12-19.

Conditions:
Kabuki syndrome. Also called: Kabuki make-up syndrome; NIIKAWA-KUROKI SYNDROME. Identifiers: Orphanet 2322, MedGen C0796004, MONDO:0016512.
KMT2D-related disorder. Also called: KMT2D-Related Disorders.

gnomAD v4.1: 2 of 1,613,814 alleles (0.00012%); no homozygotes.

Submissions (2):

Labcorp Genetics (formerly Invitae), Labcorp
Classification: Likely benign for Kabuki syndrome. Last evaluated: 2023-12-19. Review status: criteria provided, single submitter. Criteria: Invitae Variant Classification Sherloc (09022015). Collection method: clinical testing. Allele origin: germline.

PreventionGenetics, part of Exact Sciences
Classification: Uncertain significance for KMT2D-related condition. Last evaluated: 2022-10-31. Review status: criteria provided, single submitter. Criteria: ACMG Guidelines, 2015. Collection method: clinical testing. Allele origin: germline.
Comment: The KMT2D c.5760A>T variant is not predicted to result in an amino acid change (p.=). This variant is predicted to strengthen a cryptic splice acceptor site based on available splicing prediction programs (Alamut Visual Plus v1.6.1). However, such computer prediction programs are imperfect. To our knowledge, this variant has not been reported in the literature or in a large population database, indicating this variant is rare. At this time, the clinical significance of this variant is uncertain due to the absence of conclusive functional and genetic evidence.